The following is an entry in ClinVar:

ClinVar aggregate classification (germline): Pathogenic (1 of 4 stars; one submission).

Conditions:
Neurofibromatosis, type 2 (SWNV). Also called: BILATERAL ACOUSTIC NEUROFIBROMATOSIS; SCHWANNOMATOSIS, VESTIBULAR; NF2-Related Schwannomatosis. Identifiers: Orphanet 637, MedGen C0027832, MONDO:0007039, OMIM 101000. Disease mechanism: loss of function.

Submission:

Labcorp Genetics (formerly Invitae), Labcorp
Classification: Pathogenic for Neurofibromatosis, type 2. Last evaluated: 2023-07-07. Review status: criteria provided, single submitter. Criteria: Invitae Variant Classification Sherloc (09022015). Collection method: clinical testing. Allele origin: germline.
Comment: For these reasons, this variant has been classified as Pathogenic. Algorithms developed to predict the effect of sequence changes on RNA splicing suggest that this variant may create or strengthen a splice site. ClinVar contains an entry for this variant (Variation ID: 1457608). This variant has not been reported in the literature in individuals affected with NF2-related conditions. This variant is not present in population databases (gnomAD no frequency). This sequence change creates a premature translational stop signal (p.Lys312*) in the NF2 gene. It is expected to result in an absent or disrupted protein product. Loss-of-function variants in NF2 are known to be pathogenic (PMID: 9643284, 16983642).

Literature cited by the submitters: PubMed 9643284; PubMed 16983642.

NM_000268.4(NF2):c.934A>T (p.Lys312Ter)

Gene: NF2 (NF2, moesin-ezrin-radixin like (MERLIN) tumor suppressor; plus strand). Cytogenetic location: 22q12.2.
Variant type: single nucleotide variant.
Coding change: c.934A>T on transcript NM_000268.4 (MANE Select); coding-DNA position 934, A replaced by T.
Protein change: p.Lys312Ter; replaces lysine 312 with a stop codon.
Molecular consequence: nonsense. On other transcripts: non-coding transcript variant (1), intron variant (1).
Genome position (GRCh38, 1-based): chr22:29,668,381, A>T. VCF-style: chr22-29668381-A-T. GRCh37 (hg19) VCF-style: chr22-30064370-A-T.
Other names: c.934A>T, p.Lys312Ter (NM_016418.5, NM_181825.3, NM_181832.3); c.808A>T, p.Lys270Ter (NM_181828.3); c.811A>T, p.Lys271Ter (NM_181829.3); c.685A>T, p.Lys229Ter (NM_181830.3, NM_181831.3); c.447+26096A>T (NM_181833.3); short protein forms K312*, K229*, K270*, K271*.
Identifiers: ClinVar variation 1457608 (VCV001457608.6), dbSNP rs2147052253, ClinGen allele CA411145802.